The following is an entry in ClinVar:

ClinVar aggregate classification (germline): Uncertain significance. Review status: criteria provided, multiple submitters, no conflicts (2 of 4 stars). 2 submissions from 2 submitters: Uncertain significance (2). Last evaluated 2024-01-02.

Submissions (2):

GeneDx
Classification: Uncertain significance. Last evaluated: 2024-01-02. Review status: criteria provided, single submitter. Criteria: GeneDx Variant Classification Process June 2021. Collection method: clinical testing. Allele origin: germline. Affected: yes.
Comment: Not observed at significant frequency in large population cohorts (gnomAD); In silico analysis supports that this missense variant has a deleterious effect on protein structure/function; Has not been previously published as pathogenic or benign to our knowledge

Labcorp Genetics (formerly Invitae), Labcorp
Classification: Uncertain significance. Last evaluated: 2023-06-10. Review status: criteria provided, single submitter. Criteria: Invitae Variant Classification Sherloc (09022015). Collection method: clinical testing. Allele origin: germline.
Comment: This sequence change replaces histidine, which is basic and polar, with glutamine, which is neutral and polar, at codon 194 of the GPR143 protein (p.His194Gln). In summary, the available evidence is currently insufficient to determine the role of this variant in disease. Therefore, it has been classified as a Variant of Uncertain Significance. Advanced modeling of protein sequence and biophysical properties (such as structural, functional, and spatial information, amino acid conservation, physicochemical variation, residue mobility, and thermodynamic stability) performed at Invitae indicates that this missense variant is expected to disrupt GPR143 protein function. This variant has not been reported in the literature in individuals affected with GPR143-related conditions. This variant is not present in population databases (gnomAD no frequency).

NM_000273.3(GPR143):c.582C>G (p.His194Gln)

Gene: GPR143 (G protein-coupled receptor 143; minus strand). Cytogenetic location: Xp22.2.
Variant type: single nucleotide variant.
Coding change: c.582C>G on transcript NM_000273.3 (MANE Select); coding-DNA position 582, C replaced by G.
Protein change: p.His194Gln; replaces histidine 194 with glutamine.
Molecular consequence: missense variant.
Genome position (GRCh38, 1-based): chrX:9,746,120, G>C on the plus strand (C>G on the coding strand, the complement: GPR143 is on the minus strand). VCF-style: chrX-9746120-G-C. GRCh37 (hg19) VCF-style: chrX-9714160-G-C.
Other names: c.582C>G (NM_000273.2); short protein forms H194Q.
Identifiers: ClinVar variation 2707425 (VCV002707425.4), dbSNP rs2083427500, ClinGen allele CA411997365.